The following is an entry in ClinVar:

NM_005006.7(NDUFS1):c.1963C>T (p.Arg655Ter)

Gene: NDUFS1 (NADH:ubiquinone oxidoreductase core subunit S1; minus strand). Cytogenetic location: 2q33.3.
Variant type: single nucleotide variant.
Coding change: c.1963C>T on transcript NM_005006.7 (MANE Select); coding-DNA position 1963, C replaced by T.
Protein change: p.Arg655Ter; replaces arginine 655 with a stop codon.
Molecular consequence: nonsense.
Genome position (GRCh38, 1-based): chr2:206,126,766, G>A on the plus strand (C>T on the coding strand, the complement: NDUFS1 is on the minus strand). VCF-style: chr2-206126766-G-A. GRCh37 (hg19) VCF-style: chr2-206991490-G-A.
Other names: c.1855C>T, p.Arg619Ter (NM_001199981.2); c.1630C>T, p.Arg544Ter (NM_001199982.2); c.1792C>T, p.Arg598Ter (NM_001199983.2); c.2005C>T, p.Arg669Ter (NM_001199984.2); short protein forms R655*, R598*, R669*, R544*, R619*.
Identifiers: ClinVar variation 2895765 (VCV002895765.3), dbSNP rs762369653, ClinGen allele CA2070314.

ClinVar aggregate classification (germline): Pathogenic (1 of 4 stars; one submission).

Allele frequency attached by ClinVar (database versions not stated): ExAC 0.00002.
gnomAD v4.1: 22 of 1,613,936 alleles (0.0014%); highest among the groups gnomAD compares: Non-Finnish European, 0.0016%; no homozygotes.

Submission:

Labcorp Genetics (formerly Invitae), Labcorp
Classification: Pathogenic. Last evaluated: 2024-10-23. Review status: criteria provided, single submitter. Criteria: Invitae Variant Classification Sherloc (09022015). Collection method: clinical testing. Allele origin: germline.
Comment: This sequence change creates a premature translational stop signal (p.Arg655*) in the NDUFS1 gene. It is expected to result in an absent or disrupted protein product. Loss-of-function variants in NDUFS1 are known to be pathogenic (PMID: 11349233, 22200994). This variant is present in population databases (rs762369653, gnomAD 0.003%). This variant has not been reported in the literature in individuals affected with NDUFS1-related conditions. For these reasons, this variant has been classified as Pathogenic.

Literature cited by the submitters: PubMed 11349233; PubMed 22200994.